The following is an entry in ClinVar:

ClinVar aggregate classification (germline): Uncertain significance (1 of 4 stars; one submission).

Conditions:
Charcot-Marie-Tooth disease axonal type 2Z. Also called: CHARCOT-MARIE-TOOTH DISEASE, AXONAL, AUTOSOMAL DOMINANT, TYPE 2Z; CHARCOT-MARIE-TOOTH NEUROPATHY, TYPE 2Z. Identifiers: Orphanet 466768, MedGen C5569025, MONDO:0014736, OMIM 616688.

gnomAD v4.1: 16 of 1,613,968 alleles (0.00099%); highest among the groups gnomAD compares: East Asian, 0.022%; no homozygotes.

Submission:

Labcorp Genetics (formerly Invitae), Labcorp
Classification: Uncertain significance for Charcot-Marie-Tooth disease axonal type 2Z. Last evaluated: 2025-03-26. Review status: criteria provided, single submitter. Criteria: Invitae Variant Classification Sherloc (09022015). Collection method: clinical testing. Allele origin: germline.
Comment: This sequence change replaces glutamic acid, which is acidic and polar, with lysine, which is basic and polar, at codon 906 of the MORC2 protein (p.Glu906Lys). This variant is present in population databases (rs759328437, gnomAD 0.03%). This variant has not been reported in the literature in individuals affected with MORC2-related conditions. Invitae Evidence Modeling of protein sequence and biophysical properties (such as structural, functional, and spatial information, amino acid conservation, physicochemical variation, residue mobility, and thermodynamic stability) has been performed for this missense variant. However, the output from this modeling did not meet the statistical confidence thresholds required to predict the impact of this variant on MORC2 protein function. In summary, the available evidence is currently insufficient to determine the role of this variant in disease. Therefore, it has been classified as a Variant of Uncertain Significance.

NM_001303256.3(MORC2):c.2716G>A (p.Glu906Lys)

Gene: MORC2 (MORC family CW-type zinc finger 2; minus strand). Cytogenetic location: 22q12.2.
Variant type: single nucleotide variant.
Coding change: c.2716G>A on transcript NM_001303256.3 (MANE Select); coding-DNA position 2716, G replaced by A.
Protein change: p.Glu906Lys; replaces glutamic acid 906 with lysine.
Molecular consequence: missense variant.
Genome position (GRCh38, 1-based): chr22:30,932,576, C>T on the plus strand (G>A on the coding strand, the complement: MORC2 is on the minus strand). VCF-style: chr22-30932576-C-T. GRCh37 (hg19) VCF-style: chr22-31328563-C-T.
Other names: c.2716G>A, p.Glu906Lys (NM_001303257.2); c.2530G>A, p.Glu844Lys (NM_014941.3); short protein forms E906K, E844K.
Identifiers: ClinVar variation 3667746 (VCV003667746.2).